The following is an entry in ClinVar:

NM_001384140.1(PCDH15):c.284T>A (p.Phe95Tyr)

Gene: PCDH15 (protocadherin related 15; minus strand). Cytogenetic location: 10q21.1.
Variant type: single nucleotide variant.
Coding change: c.284T>A on transcript NM_001384140.1 (MANE Select); coding-DNA position 284, T replaced by A.
Protein change: p.Phe95Tyr; replaces phenylalanine 95 with tyrosine.
Molecular consequence: missense variant.
Genome position (GRCh38, 1-based): chr10:54,378,816, A>T on the plus strand (T>A on the coding strand, the complement: PCDH15 is on the minus strand). VCF-style: chr10-54378816-A-T. GRCh37 (hg19) VCF-style: chr10-56138576-A-T.
Other names: c.299T>A, p.Phe100Tyr (NM_001142763.2, NM_001142769.4, NM_001142771.2); c.284T>A, p.Phe95Tyr (NM_001142764.2, NM_001142765.2, NM_001142766.2 and 8 more transcripts); c.218T>A, p.Phe73Tyr (NM_001142768.2, NM_001142773.2, NM_001354404.2); short protein forms F100Y, F73Y, F95Y.
Identifiers: ClinVar variation 1026380 (VCV001026380.9), dbSNP rs1190395687, ClinGen allele CA376540472.
Genomic context (GRCh38, chr10:54,378,816, plus strand): 5'-AGGGGCAAAGAAAAAAAATCACTAACATCTCTATCCAGAACTCTTCCGGTGCTGTTCAGG[A>T]AAAGCATTTGCTTAACAGGATCCATCAACACCCAGTAATCCACATTATCCTTTAAAGAAA-3'
Protein context (NP_001371069.1, residues 85-105): VLMDPVKQML[Phe95Tyr]LNSTGRVLDR

ClinVar aggregate classification (germline): Uncertain significance. Review status: criteria provided, multiple submitters, no conflicts (2 of 4 stars). 2 submissions from 2 submitters: Uncertain significance (2). Last evaluated 2022-11-22.

Allele frequency attached by ClinVar (database versions not stated): TOPMed below 0.00001.

Submissions (2):

Labcorp Genetics (formerly Invitae), Labcorp
Classification: Uncertain significance. Last evaluated: 2022-11-22. Review status: criteria provided, single submitter. Criteria: Invitae Variant Classification Sherloc (09022015). Collection method: clinical testing. Allele origin: germline.
Comment: In summary, the available evidence is currently insufficient to determine the role of this variant in disease. Therefore, it has been classified as a Variant of Uncertain Significance. Advanced modeling of protein sequence and biophysical properties (such as structural, functional, and spatial information, amino acid conservation, physicochemical variation, residue mobility, and thermodynamic stability) performed at Invitae indicates that this missense variant is not expected to disrupt PCDH15 protein function. ClinVar contains an entry for this variant (Variation ID: 1026380). This variant has not been reported in the literature in individuals affected with PCDH15-related conditions. This variant is not present in population databases (gnomAD no frequency). This sequence change replaces phenylalanine, which is neutral and non-polar, with tyrosine, which is neutral and polar, at codon 95 of the PCDH15 protein (p.Phe95Tyr).

GeneDx
Classification: Uncertain significance. Last evaluated: 2022-10-27. Review status: criteria provided, single submitter. Criteria: GeneDx Variant Classification Process June 2021. Collection method: clinical testing. Allele origin: germline. Affected: yes.
Comment: Not observed at significant frequency in large population cohorts (gnomAD); In silico analysis supports that this missense variant does not alter protein structure/function; Has not been previously published as pathogenic or benign to our knowledge